The following is an entry in ClinVar:

ClinVar aggregate classification (germline): Likely benign. Review status: criteria provided, multiple submitters, no conflicts (2 of 4 stars). 3 submissions from 3 submitters: Likely benign (2). 1 of the submissions does not count toward it. Last evaluated 2025-10-01.

Conditions:
A2ML1-related disorder. Also called: A2ML1-related condition.

Allele frequency attached by ClinVar (database versions not stated): TOPMed 0.00003; gnomAD 0.00004 and 0.00005; 1000 Genomes Project 30x 0.00031; 1000 Genomes Project 0.00040.
gnomAD v4.1: 24 of 1,614,144 alleles (0.0015%); highest among the groups gnomAD compares: East Asian, 0.049%; no homozygotes.

Submissions (3):

Labcorp Genetics (formerly Invitae), Labcorp
Classification: Likely benign. Last evaluated: 2025-10-01. Review status: criteria provided, single submitter. Criteria: Invitae Variant Classification Sherloc (09022015). Collection method: clinical testing. Allele origin: germline.

Women's Health and Genetics/Laboratory Corporation of America, LabCorp
Classification: Likely benign. Last evaluated: 2019-09-09. Review status: criteria provided, single submitter. Criteria: LabCorp Variant Classification Summary - May 2015. Collection method: clinical testing. Allele origin: germline.
Comment: Variant summary: A2ML1 c.2114T>C (p.Met705Thr) results in a non-conservative amino acid change in the encoded protein sequence. Four of five in-silico tools predict a benign effect of the variant on protein function. The variant allele was found at a frequency of 8.8e-05 in 249406 control chromosomes, predominantly at a frequency of 0.0012 within the East Asian subpopulation in the gnomAD database. The observed variant frequency within East Asian control individuals in the gnomAD database is approximately 300 fold of the estimated maximal expected allele frequency for a pathogenic variant in A2ML1 causing Noonan Syndrome phenotype (4e-06), strongly suggesting that the variant is a benign polymorphism found primarily in populations of East Asian origin. To our knowledge, no occurrence of c.2114T>C in individuals affected with Noonan Syndrome and no experimental evidence demonstrating its impact on protein function have been reported. No clinical diagnostic laboratories have submitted clinical-significance assessments for this variant to ClinVar after 2014. Based on the evidence outlined above, the variant was classified as likely benign.

PreventionGenetics, part of Exact Sciences
Classification: Likely benign for A2ML1-related condition. Last evaluated: 2020-09-01. Review status: no assertion criteria provided. Collection method: clinical testing. Allele origin: germline. Not counted in ClinVar's aggregate classification.
Comment: This variant is classified as likely benign based on ACMG/AMP sequence variant interpretation guidelines (Richards et al. 2015 PMID: 25741868, with internal and published modifications).

NM_144670.6(A2ML1):c.2114T>C (p.Met705Thr)

Gene: A2ML1 (alpha-2-macroglobulin like 1; plus strand). Cytogenetic location: 12p13.31.
Variant type: single nucleotide variant.
Coding change: c.2114T>C on transcript NM_144670.6 (MANE Select); coding-DNA position 2114, T replaced by C.
Protein change: p.Met705Thr; replaces methionine 705 with threonine.
Molecular consequence: missense variant.
Genome position (GRCh38, 1-based): chr12:8,849,754, T>C. VCF-style: chr12-8849754-T-C. GRCh37 (hg19) VCF-style: chr12-9002350-T-C.
Other names: c.641T>C, p.Met214Thr (NM_001282424.3); short protein forms M214T, M705T.
Identifiers: ClinVar variation 929030 (VCV000929030.8), dbSNP rs748085779, ClinGen allele CA6435901.